The following is an entry in ClinVar:

NM_001349338.3(FOXP1):c.1801G>A (p.Ala601Thr)

Gene: FOXP1 (forkhead box P1; minus strand). Cytogenetic location: 3p13.
Variant type: single nucleotide variant.
Coding change: c.1801G>A on transcript NM_001349338.3 (MANE Select); coding-DNA position 1801, G replaced by A.
Protein change: p.Ala601Thr; replaces alanine 601 with threonine.
Molecular consequence: missense variant. On other transcripts: non-coding transcript variant (2).
Genome position (GRCh38, 1-based): chr3:70,965,978, C>T on the plus strand (G>A on the coding strand, the complement: FOXP1 is on the minus strand). VCF-style: chr3-70965978-C-T. GRCh37 (hg19) VCF-style: chr3-71015129-C-T.
Other names: c.1798G>A, p.Ala600Thr (NM_001244808.3, NM_001349341.3); c.1849G>A, p.Ala617Thr (NM_001244810.2); c.1573G>A, p.Ala525Thr (NM_001244812.3); c.1501G>A, p.Ala501Thr (NM_001244813.3, NM_001244815.2, NM_001349342.3); c.1801G>A, p.Ala601Thr (NM_001244814.3, NM_001244816.2, NM_001349340.3 and 1 more transcripts); c.1801G>A (NM_001244816.1); c.1498G>A, p.Ala500Thr (NM_001349337.2, NM_001349343.3, NM_001349344.3 and 1 more transcripts); short protein forms A501T, A601T, A500T, A525T, A600T, A617T.
Identifiers: ClinVar variation 2043875 (VCV002043875.5), dbSNP rs373809702, ClinGen allele CA2490818.

ClinVar aggregate classification (germline): Likely benign (1 of 4 stars; one submission).

Conditions:
Intellectual disability-severe speech delay-mild dysmorphism syndrome (IDDLA). Also called: Mental retardation with language impairment and autistic features; FOXP1 Syndrome; Intellectual developmental disorder with language impairment AND with or without autistic features. Identifiers: Orphanet 391372, MedGen C4013764, MONDO:0013352, OMIM 613670.

Allele frequency attached by ClinVar (database versions not stated): TOPMed 0.00006; gnomAD exomes 0.00007; ExAC 0.00008; ESP Exome Variant Server 0.00008; gnomAD 0.00009; 1000 Genomes Project 30x 0.00016; 1000 Genomes Project 0.00020.
gnomAD v4.1: 116 of 1,614,066 alleles (0.0072%); highest among the groups gnomAD compares: Middle Eastern, 0.016%; no homozygotes.

Submission:

Labcorp Genetics (formerly Invitae), Labcorp
Classification: Likely benign. Last evaluated: 2025-11-02. Review status: criteria provided, single submitter. Criteria: Invitae Variant Classification Sherloc (09022015). Collection method: clinical testing. Allele origin: germline.